The following is an entry in ClinVar:

ClinVar aggregate classification (germline): Uncertain significance. Review status: criteria provided, multiple submitters, no conflicts (2 of 4 stars). 2 submissions from 2 submitters: Uncertain significance (2). Last evaluated 2023-05-20.

Conditions:
Seizures, benign familial infantile, 3 (BFIS3). Also called: CONVULSIONS, BENIGN FAMILIAL INFANTILE, 3; Familial neonatal seizures. Identifiers: Orphanet 140927, Orphanet 306, MedGen C1843140, MONDO:0011904, OMIM 607745.
Developmental and epileptic encephalopathy, 11 (DEE11). Also called: Early infantile epileptic encephalopathy 11. Identifiers: Orphanet 1934, MedGen C3150987, MONDO:0013388, OMIM 613721.

Allele frequency attached by ClinVar (database versions not stated): gnomAD exomes below 0.00001.
gnomAD v4.1: 2 of 1,614,104 alleles (0.00012%); highest among the groups gnomAD compares: Non-Finnish European, 0.00017%; no homozygotes.

Submissions (2):

Labcorp Genetics (formerly Invitae), Labcorp
Classification: Uncertain significance for Seizures, benign familial infantile, 3; Developmental and epileptic encephalopathy, 11. Last evaluated: 2023-05-20. Review status: criteria provided, single submitter. Criteria: Invitae Variant Classification Sherloc (09022015). Collection method: clinical testing. Allele origin: germline.
Comment: In summary, the available evidence is currently insufficient to determine the role of this variant in disease. Therefore, it has been classified as a Variant of Uncertain Significance. Advanced modeling of protein sequence and biophysical properties (such as structural, functional, and spatial information, amino acid conservation, physicochemical variation, residue mobility, and thermodynamic stability) performed at Invitae indicates that this missense variant is expected to disrupt SCN2A protein function. ClinVar contains an entry for this variant (Variation ID: 2446559). This variant has not been reported in the literature in individuals affected with SCN2A-related conditions. This variant is not present in population databases (gnomAD no frequency). This sequence change replaces isoleucine, which is neutral and non-polar, with valine, which is neutral and non-polar, at codon 1723 of the SCN2A protein (p.Ile1723Val).

GeneDx
Classification: Uncertain significance. Last evaluated: 2023-03-29. Review status: criteria provided, single submitter. Criteria: GeneDx Variant Classification Process June 2021. Collection method: clinical testing. Allele origin: germline. Affected: yes.
Comment: Not observed at significant frequency in large population cohorts (gnomAD); Missense variants in this gene are often considered pathogenic (HGMD); In silico analysis supports that this missense variant does not alter protein structure/function; Has not been previously published as pathogenic or benign to our knowledge

NM_001040142.2(SCN2A):c.5167A>G (p.Ile1723Val)

Gene: SCN2A (sodium voltage-gated channel alpha subunit 2; plus strand). Cytogenetic location: 2q24.3.
Variant type: single nucleotide variant.
Coding change: c.5167A>G on transcript NM_001040142.2 (MANE Select); coding-DNA position 5167, A replaced by G.
Protein change: p.Ile1723Val; replaces isoleucine 1723 with valine.
Molecular consequence: missense variant.
Genome position (GRCh38, 1-based): chr2:165,388,973, A>G. VCF-style: chr2-165388973-A-G. GRCh37 (hg19) VCF-style: chr2-166245483-A-G.
Other names: c.5167A>G, p.Ile1723Val (NM_001040143.2, NM_001371246.1, NM_001371247.1 and 1 more transcripts); short protein forms I1723V.
Identifiers: ClinVar variation 2446559 (VCV002446559.4), dbSNP rs2468158433, ClinGen allele CA349038353.